The following is an entry in ClinVar:

ClinVar aggregate classification (germline): Uncertain significance (1 of 4 stars; one submission).

Conditions:
Arrhythmogenic right ventricular dysplasia 13. Also called: Arrhythmogenic right ventricular dysplasia, familial, 13; ARRHYTHMOGENIC RIGHT VENTRICULAR CARDIOMYOPATHY 13. Identifiers: MedGen C3810138, MONDO:0000908, OMIM 615616.

Submission:

Labcorp Genetics (formerly Invitae), Labcorp
Classification: Uncertain significance for Arrhythmogenic right ventricular dysplasia 13. Last evaluated: 2025-10-18. Review status: criteria provided, single submitter. Criteria: Invitae Variant Classification Sherloc (09022015). Collection method: clinical testing. Allele origin: germline.
Comment: This sequence change creates a premature translational stop signal (p.Ala811Profs*4) in the CTNNA3 gene. While this is not anticipated to result in nonsense mediated decay, it is expected to disrupt the last 85 amino acid(s) of the CTNNA3 protein. This variant is not present in population databases (gnomAD no frequency). This variant has not been reported in the literature in individuals affected with CTNNA3-related conditions. ClinVar contains an entry for this variant (Variation ID: 222540). In summary, the available evidence is currently insufficient to determine the role of this variant in disease. Therefore, it has been classified as a Variant of Uncertain Significance.

NM_013266.4(CTNNA3):c.2430del (p.Ala811fs)

Gene: CTNNA3 (catenin alpha 3; minus strand). Cytogenetic location: 10q21.3.
Variant type: Deletion.
Coding change: c.2430del on transcript NM_013266.4 (MANE Select); coding-DNA position 2430, one base deleted (A; older notation c.2430delA).
Protein change: p.Ala811fs; shifts the reading frame from alanine 811.
Molecular consequence: frameshift variant.
Genome position (GRCh38, 1-based): chr10:65,920,588, T deleted on the plus strand (A on the coding strand, the reverse complement: CTNNA3 is on the minus strand). VCF-style (leftmost placement, unchanged base first): chr10-65920587-CT-C. GRCh37 (hg19) VCF-style: chr10-67680345-CT-C.
Other names: c.2430del, p.Ala811fs (NM_001127384.3); short protein forms A811fs.
Identifiers: ClinVar variation 222540 (VCV000222540.2), dbSNP rs869025379, ClinGen allele CA351847.